The following is an entry in ClinVar:

NM_003036.4(SKI):c.-46C>T

Gene: SKI (SKI proto-oncogene; plus strand). Cytogenetic location: 1p36.33.
Variant type: single nucleotide variant.
Coding change: c.-46C>T on transcript NM_003036.4 (MANE Select); 46 bases upstream of the start codon, C replaced by T.
Molecular consequence: 5 prime UTR variant.
Genome position (GRCh38, 1-based): chr1:2,228,721, C>T. VCF-style: chr1-2228721-C-T. GRCh37 (hg19) VCF-style: chr1-2160160-C-T.
Identifiers: ClinVar variation 680378 (VCV000680378.1), dbSNP rs1569656260, ClinGen allele CA915941093.

ClinVar aggregate classification (germline): Likely benign (1 of 4 stars; one submission).

Submission:

GeneDx
Classification: Likely benign. Last evaluated: 2018-03-13. Review status: criteria provided, single submitter. Criteria: GeneDx Variant Classification (06012015). Collection method: clinical testing. Allele origin: germline. Affected: yes.
Comment: This variant is considered likely benign or benign based on one or more of the following criteria: it is a conservative change, it occurs at a poorly conserved position in the protein, it is predicted to be benign by multiple in silico algorithms, and/or has population frequency not consistent with disease.